The following is an entry in ClinVar:

NM_144670.6(A2ML1):c.3364_3365delinsTA (p.Arg1122Ter)

Gene: A2ML1 (alpha-2-macroglobulin like 1; plus strand). Cytogenetic location: 12p13.31.
Variant type: Indel.
Coding change: c.3364_3365delinsTA on transcript NM_144670.6 (MANE Select); coding-DNA positions 3364 to 3365, CG replaced by TA.
Protein change: p.Arg1122Ter; replaces arginine 1122 with a stop codon.
Molecular consequence: nonsense.
Genome position (GRCh38, 1-based): chr12:8,861,159-8,861,160, CG replaced by TA. VCF-style: chr12-8861159-CG-TA. GRCh37 (hg19) VCF-style: chr12-9013755-CG-TA.
Other names: c.1891_1892delinsTA, p.Arg631Ter (NM_001282424.3); short protein forms R1122*, R631*.
Identifiers: ClinVar variation 3702712 (VCV003702712.2).

ClinVar aggregate classification (germline): Uncertain significance (1 of 4 stars; one submission).

Submission:

Labcorp Genetics (formerly Invitae), Labcorp
Classification: Uncertain significance. Last evaluated: 2024-02-18. Review status: criteria provided, single submitter. Criteria: Invitae Variant Classification Sherloc (09022015). Collection method: clinical testing. Allele origin: germline.
Comment: This sequence change creates a premature translational stop signal (p.Arg1122*) in the A2ML1 gene. It is expected to result in an absent or disrupted protein product. However, the current clinical and genetic evidence is not sufficient to establish whether loss-of-function variants in A2ML1 cause disease. The frequency data for this variant in the population databases is considered unreliable, as metrics indicate poor data quality at this position in the gnomAD database. This variant has not been reported in the literature in individuals affected with A2ML1-related conditions. In summary, the available evidence is currently insufficient to determine the role of this variant in disease. Therefore, it has been classified as a Variant of Uncertain Significance.